The following is an entry in ClinVar:

NC_000017.10:g.(?_41196311)_(41277382_?)del

Gene: BRCA1 (BRCA1 DNA repair associated; minus strand). Cytogenetic location: 17q21.31.
Variant type: Deletion.
Identifiers: ClinVar variation 3063784 (VCV003063784.1).

ClinVar aggregate classification (germline): Pathogenic (1 of 4 stars; one submission).

Conditions:
Hereditary breast ovarian cancer syndrome. Also called: Hereditary breast and/or ovarian cancer syndrome; Hereditary breast and ovarian cancer syndrome (HBOC); Breast and ovarian cancer; BRCA1- and BRCA2-Associated Hereditary Breast and Ovarian Cancer; Hereditary breast and ovarian cancer; Hereditary breast and ovarian cancer syndrome. Identifiers: Orphanet 145, MedGen C0677776, MeSH D061325, MONDO:0003582. Disease mechanism: loss of function.

Submission:

Women's Health and Genetics/Laboratory Corporation of America, LabCorp
Classification: Pathogenic for Hereditary breast ovarian cancer syndrome. Last evaluated: 2024-01-05. Review status: criteria provided, single submitter. Criteria: LabCorp Variant Classification Summary - May 2015. Collection method: clinical testing. Allele origin: germline.
Comment: Variant summary: The variant involves the deletion of exons 1-23 of the BRCA1 gene. A presumed nomenclature of c.(?_-114)_(*1384_?)del has been designated for the purposes of this classification. This deletion includes the entire coding sequence of the gene. As exact breakpoints are unknown, it may extend beyond the annotated region of the gene, to include other flanking genes. Large deletions in BRCA1 are a known mechanism of disease. The variant was not found in 21694 individuals in the gnomAD structural variant database. Deletion of the entire BRCA1 gene has been reported in the literature in individuals affected with Hereditary Breast and Ovarian Cancer (e.g., de la Hoya_2006, Blay_2013, Fachal_2014). These data indicate that the variant is very likely to be associated with disease. The following publications have been ascertained in the context of this evaluation (PMID: 23683081, 24686251, 22762150, 16793929). ClinVar contains at least one entry for this variant (Variation ID: 583655). Based on the evidence outlined above, the variant was classified as pathogenic.

Literature cited by the submitters: PubMed 23683081; PubMed 22762150; PubMed 16793929; PubMed 24686251.